The following is an entry in ClinVar:

ClinVar aggregate classification (germline): Uncertain significance (1 of 4 stars; one submission).

Submission:

Labcorp Genetics (formerly Invitae), Labcorp
Classification: Uncertain significance. Last evaluated: 2023-03-13. Review status: criteria provided, single submitter. Criteria: Invitae Variant Classification Sherloc (09022015). Collection method: clinical testing. Allele origin: germline.
Comment: In summary, the available evidence is currently insufficient to determine the role of this variant in disease. Therefore, it has been classified as a Variant of Uncertain Significance. Algorithms developed to predict the effect of missense changes on protein structure and function output the following: SIFT: "Not Available"; PolyPhen-2: "Possibly Damaging"; Align-GVGD: "Not Available". The glutamic acid amino acid residue is found in multiple mammalian species, which suggests that this missense change does not adversely affect protein function. This variant has not been reported in the literature in individuals affected with APOA1-related conditions. This variant is not present in population databases (gnomAD no frequency). This sequence change replaces aspartic acid, which is acidic and polar, with glutamic acid, which is acidic and polar, at codon 25 of the APOA1 protein (p.Asp25Glu).

NM_000039.3(APOA1):c.75T>G (p.Asp25Glu)

Genes: APOA1 (apolipoprotein A1; minus strand), APOA1-AS (APOA1 antisense RNA; plus strand). Cytogenetic location: 11q23.3.
Variant type: single nucleotide variant.
Coding change: c.75T>G on transcript NM_000039.3 (MANE Select); coding-DNA position 75, T replaced by G.
Protein change: p.Asp25Glu; replaces aspartic acid 25 with glutamic acid.
Molecular consequence: missense variant. On other transcripts: 5 prime UTR variant (1), intron variant (2).
Genome position (GRCh38, 1-based): chr11:116,837,126, A>C on the plus strand (T>G on the coding strand, the complement: APOA1 is on the minus strand). VCF-style: chr11-116837126-A-C. GRCh37 (hg19) VCF-style: chr11-116707842-A-C.
Other names: c.75T>G, p.Asp25Glu (NM_001318018.2, NM_001425090.1, NM_001425093.1 and 1 more transcripts); c.-253T>G (NM_001425092.1); c.-128+219T>G (NM_001425091.1); c.-240-13T>G (NM_001318021.2); short protein forms D25E.
Identifiers: ClinVar variation 2819693 (VCV002819693.3), dbSNP rs2540295354, ClinGen allele CA382721229.